The following is an entry in ClinVar:

ClinVar aggregate classification (germline): Uncertain significance. Review status: criteria provided, multiple submitters, no conflicts (2 of 4 stars). 2 submissions from 2 submitters: Uncertain significance (2). Last evaluated 2026-03-28.

Conditions:
Hereditary cancer-predisposing syndrome. Also called: Hereditary neoplastic syndrome; Neoplastic Syndromes, Hereditary; Tumor predisposition; Hereditary Cancer Syndrome. Identifiers: Orphanet 140162, MedGen C0027672, MeSH D009386, MONDO:0015356.

Submissions (2):

GeneDx
Classification: Uncertain significance. Last evaluated: 2026-03-28. Review status: criteria provided, single submitter. Criteria: GeneDx Variant Classification Process June 2021. Collection method: clinical testing. Allele origin: germline.
Comment: Not observed at significant frequency in large population cohorts (gnomAD); In silico analysis supports that this missense variant has a deleterious effect on protein structure/function; Has not been previously published as pathogenic or benign to our knowledge; This variant is associated with the following publications: (PMID: 12019211, 21120944)

Color Diagnostics, LLC DBA Color Health
Classification: Uncertain significance for Hereditary cancer-predisposing syndrome. Last evaluated: 2018-10-07. Review status: criteria provided, single submitter. Criteria: ACMG Guidelines, 2015. Collection method: clinical testing. Allele origin: germline.

NM_000179.3(MSH6):c.22T>A (p.Tyr8Asn)

Gene: MSH6 (mutS homolog 6; plus strand). Cytogenetic location: 2p16.3.
Variant type: single nucleotide variant.
Coding change: c.22T>A on transcript NM_000179.3 (MANE Select); coding-DNA position 22, T replaced by A.
Protein change: p.Tyr8Asn; replaces tyrosine 8 with asparagine.
Molecular consequence: missense variant. On other transcripts: 5 prime UTR variant (1).
Genome position (GRCh38, 1-based): chr2:47,783,255, T>A. VCF-style: chr2-47783255-T-A. GRCh37 (hg19) VCF-style: chr2-48010394-T-A.
Other names: c.22T>A, p.Tyr8Asn (NM_001281492.2); c.-715T>A (NM_001281493.2); short protein forms Y8N.
Identifiers: ClinVar variation 491893 (VCV000491893.4), dbSNP rs781670952, ClinGen allele CA346734497.
Genomic context (GRCh38, chr2:47,783,255, plus strand): 5'-TCCGTCCGACAGAACGGTTGGGCCTTGCCGGCTGTCGGTATGTCGCGACAGAGCACCCTG[T>A]ACAGCTTCTTCCCCAAGTCTCCGGCGCTGAGTGATGCCAACAAGGCCTCGGCCAGGGCCT-3'
Protein context (NP_000170.1, residues 1-18): MSRQSTL[Tyr8Asn]SFFPKSPALS